The following is an entry in ClinVar:

ClinVar aggregate classification (germline): Uncertain significance. Review status: criteria provided, multiple submitters, no conflicts (2 of 4 stars). 2 submissions from 2 submitters: Uncertain significance (2). Last evaluated 2021-06-13.

Conditions:
Cardiovascular phenotype. Identifiers: MedGen CN230736.

Allele frequency attached by ClinVar (database versions not stated): gnomAD 0.00001; 1000 Genomes Project 30x 0.00016; 1000 Genomes Project 0.00020.
gnomAD v4.1: 5 of 1,613,820 alleles (0.00031%); highest among the groups gnomAD compares: East Asian, 0.0089%; no homozygotes.

Submissions (2):

Revvity Omics, Revvity
Classification: Uncertain significance. Last evaluated: 2021-06-13. Review status: criteria provided, single submitter. Criteria: ACMG Guidelines, 2015. Collection method: clinical testing. Allele origin: germline.

Ambry Genetics
Classification: Uncertain significance for Cardiovascular phenotype. Last evaluated: 2018-01-15. Review status: criteria provided, single submitter. Criteria: Ambry Variant Classification Scheme 2023. Collection method: clinical testing. Allele origin: germline.
Comment: The p.V22380I variant (also known as c.67138G>A), located in coding exon 167 of the TTN gene, results from a G to A substitution at nucleotide position 67138. The valine at codon 22380 is replaced by isoleucine, an amino acid with highly similar properties. This amino acid position is not well conserved in available vertebrate species, and isoleucine is the reference amino acid in other vertebrate species. In addition, this alteration is predicted to be tolerated by in silico analysis. Since supporting evidence is limited at this time, the clinical significance of this alteration remains unclear.

NM_001267550.2(TTN):c.94333G>A (p.Val31445Ile)

Genes: TTN (titin; minus strand), TTN-AS1 (TTN antisense RNA 1; plus strand). Cytogenetic location: 2q31.2.
Variant type: single nucleotide variant.
Coding change: c.94333G>A on transcript NM_001267550.2 (MANE Select); coding-DNA position 94333, G replaced by A.
Protein change: p.Val31445Ile; replaces valine 31445 with isoleucine.
Molecular consequence: missense variant.
Genome position (GRCh38, 1-based): chr2:178,547,192, C>T on the plus strand (G>A on the coding strand, the complement: TTN is on the minus strand). VCF-style: chr2-178547192-C-T. GRCh37 (hg19) VCF-style: chr2-179411919-C-T.
Other names: c.89410G>A, p.Val29804Ile (NM_001256850.1); c.67138G>A, p.Val22380Ile (NM_003319.4); c.86629G>A, p.Val28877Ile (NM_133378.4); c.67513G>A, p.Val22505Ile (NM_133432.3); c.67714G>A, p.Val22572Ile (NM_133437.4); short protein forms V22572I, V22380I, V29804I, V31445I, V22505I, V28877I.
Identifiers: ClinVar variation 1755057 (VCV001755057.5), dbSNP rs564410456, ClinGen allele CA60972778.
Genomic context (GRCh38, chr2:178,547,192, plus strand): 5'-CTAAGCATGGCACTTTGTTTTCTTTCACCCAAAGAATTGTATTACGTTCTTTCTTCTCAA[C>T]CCAGTAGCCAATGATTTTACTGCCACCATCGTGGTAGGGTTCTTCCCAACGAATAGACAT-3'
Protein context (NP_001254479.2, residues 31435-31455): DGGSKIIGYW[Val31445Ile]EKKERNTILW